The following is an entry in ClinVar:

NM_006734.4(HIVEP2):c.3212C>T (p.Pro1071Leu)

Gene: HIVEP2 (HIVEP zinc finger 2; minus strand). Cytogenetic location: 6q24.2.
Variant type: single nucleotide variant.
Coding change: c.3212C>T on transcript NM_006734.4 (MANE Select); coding-DNA position 3212, C replaced by T.
Protein change: p.Pro1071Leu; replaces proline 1071 with leucine.
Molecular consequence: missense variant.
Genome position (GRCh38, 1-based): chr6:142,771,527, G>A on the plus strand (C>T on the coding strand, the complement: HIVEP2 is on the minus strand). VCF-style: chr6-142771527-G-A. GRCh37 (hg19) VCF-style: chr6-143092664-G-A.
Other names: short protein forms P1071L.
Identifiers: ClinVar variation 1033136 (VCV001033136.1), dbSNP rs1327649883, ClinGen allele CA365904888.

ClinVar aggregate classification (germline): Uncertain significance (1 of 4 stars; one submission).

Conditions:
Intellectual developmental disorder, autosomal dominant 43. Also called: Intellectual disability, autosomal dominant 43. Identifiers: MedGen C4707429, MONDO:0014858, OMIM 616977.

Allele frequency attached by ClinVar (database versions not stated): gnomAD 0.00001; TOPMed 0.00001; gnomAD exomes 0.00002.
gnomAD v4.1: 47 of 1,613,738 alleles (0.0029%); highest among the groups gnomAD compares: Middle Eastern, 0.016%; no homozygotes.

Submission:

Baylor Genetics
Classification: Uncertain significance for Intellectual developmental disorder, autosomal dominant 43. Last evaluated: 2018-08-09. Review status: criteria provided, single submitter. Criteria: ACMG Guidelines, 2015. Collection method: clinical testing. Allele origin: unknown. Affected: yes.
Comment: This variant was determined to be of uncertain significance according to ACMG Guidelines, 2015 [PMID:25741868].